The following is an entry in ClinVar:

NM_145059.3(FCSK):c.1750G>A (p.Gly584Arg)

Gene: FCSK (fucose kinase; plus strand). Cytogenetic location: 16q22.1.
Variant type: single nucleotide variant.
Coding change: c.1750G>A on transcript NM_145059.3 (MANE Select); coding-DNA position 1750, G replaced by A.
Protein change: p.Gly584Arg; replaces glycine 584 with arginine.
Molecular consequence: missense variant.
Genome position (GRCh38, 1-based): chr16:70,473,326, G>A. VCF-style: chr16-70473326-G-A. GRCh37 (hg19) VCF-style: chr16-70507229-G-A.
Other names: c.1750G>A (NM_145059.2); short protein forms G584R.
Identifiers: ClinVar variation 2427847 (VCV002427847.7), dbSNP rs755892030, ClinGen allele CA283470974.

ClinVar aggregate classification (germline): Uncertain significance. Review status: criteria provided, multiple submitters, no conflicts (2 of 4 stars). 2 submissions from 2 submitters: Uncertain significance (2). Last evaluated 2025-08-12.

Allele frequency attached by ClinVar (database versions not stated): gnomAD 0.00008; 1000 Genomes Project 30x 0.00016.
gnomAD v4.1: 53 of 1,512,952 alleles (0.0035%); highest among the groups gnomAD compares: Middle Eastern, 0.023%; no homozygotes.

Submissions (2):

Labcorp Genetics (formerly Invitae), Labcorp
Classification: Uncertain significance. Last evaluated: 2025-08-12. Review status: criteria provided, single submitter. Criteria: Invitae Variant Classification Sherloc (09022015). Collection method: clinical testing. Allele origin: germline.
Comment: This sequence change replaces glycine, which is neutral and non-polar, with arginine, which is basic and polar, at codon 584 of the FUK protein (p.Gly584Arg). This variant is present in population databases (no rsID available, gnomAD 0.007%). This variant has not been reported in the literature in individuals affected with FUK-related conditions. ClinVar contains an entry for this variant (Variation ID: 2427847). An algorithm developed to predict the effect of missense changes on protein structure and function (PolyPhen-2) suggests that this variant is likely to be tolerated. In summary, the available evidence is currently insufficient to determine the role of this variant in disease. Therefore, it has been classified as a Variant of Uncertain Significance.

Ambry Genetics
Classification: Uncertain significance. Last evaluated: 2022-06-09. Review status: criteria provided, single submitter. Criteria: Ambry Variant Classification Scheme 2023. Collection method: clinical testing. Allele origin: germline.